The following is an entry in ClinVar:

ClinVar aggregate classification (germline): Benign. Review status: criteria provided, multiple submitters, no conflicts (2 of 4 stars). 2 submissions from 2 submitters: Benign (2). Last evaluated 2018-07-27.

Allele frequency attached by ClinVar (database versions not stated): ExAC 0.69496.

Submissions (2):

Labcorp Genetics (formerly Invitae), Labcorp
Classification: Benign. Last evaluated: 2018-07-27. Review status: criteria provided, single submitter. Criteria: Invitae Variant Classification Sherloc (09022015). Collection method: clinical testing. Allele origin: germline.

Breakthrough Genomics
Classification: Benign. Review status: criteria provided, single submitter. Criteria: ACMG Guidelines, 2015. Collection method: not provided. Allele origin: germline. Inheritance: Unknown mechanism. Affected: yes.

NM_006821.6(ACOT2):c.983A>G (p.His328Arg)

Genes: ACOT2 (acyl-CoA thioesterase 2; plus strand), HEATR4 (HEAT repeat containing 4; minus strand). Cytogenetic location: 14q24.3.
Variant type: single nucleotide variant.
Coding change: c.983A>G on transcript NM_006821.6 (MANE Select); coding-DNA position 983, A replaced by G.
Protein change: p.His328Arg; replaces histidine 328 with arginine.
Molecular consequence: missense variant. On other transcripts: non-coding transcript variant (1).
Genome position (GRCh38, 1-based): chr14:73,575,044, A>G. VCF-style: chr14-73575044-A-G. GRCh37 (hg19) VCF-style: chr14-74041748-A-G.
Other names: c.392A>G, p.His131Arg (NM_001364177.1); short protein forms H131R, H328R.
Identifiers: ClinVar variation 684519 (VCV000684519.6), dbSNP rs149033118, ClinGen allele CA7260839.